The following is an entry in ClinVar:

NM_024675.4(PALB2):c.3552C>T (p.His1184=)

Gene: PALB2 (partner and localizer of BRCA2; minus strand). Cytogenetic location: 16p12.2.
Variant type: single nucleotide variant.
Coding change: c.3552C>T on transcript NM_024675.4 (MANE Select); coding-DNA position 3552, C replaced by T.
Protein change: p.His1184=; no amino-acid change (histidine 1184 retained).
Molecular consequence: synonymous variant. On other transcripts: 3 prime UTR variant (5).
Genome position (GRCh38, 1-based): chr16:23,603,468, G>A on the plus strand (C>T on the coding strand, the complement: PALB2 is on the minus strand). VCF-style: chr16-23603468-G-A. GRCh37 (hg19) VCF-style: chr16-23614789-G-A.
Other names: c.3492C>T, p.His1164= (NM_001407296.1); c.3480C>T, p.His1160= (NM_001407297.1); c.3390C>T, p.His1130= (NM_001407298.1); c.3315C>T, p.His1105= (NM_001407299.1); c.3273C>T, p.His1091= (NM_001407300.1); c.*187C>T (NM_001407301.1, NM_001407302.1, NM_001407310.1 and 2 more transcripts); c.2667C>T, p.His889= (NM_001407304.1, NM_001407305.1, NM_001407306.1); c.2505C>T, p.His835= (NM_001407307.1); and 3 more.
Identifiers: ClinVar variation 3904060 (VCV003904060.1).
Genomic context (GRCh38, chr16:23,603,468, plus strand): 5'-TACTAAGAGGCCCAATATATCCAGAAAATTGTGTTTTCACTTTACCCTAACTTATGAATA[G>A]TGGTATACAAATATATTTCCATCTTTTTGTCCAGCCAGCAAATGAGAGTCTGTACCCGAC-3'
Protein context (NP_078951.2, residues 1174-1186): GQKDGNIFVY[His1184=]YS

ClinVar aggregate classification (germline): Benign (1 of 4 stars; one submission).

Conditions:
Familial cancer of breast. Also called: Hereditary breast cancer; hereditary breast carcinoma; BREAST CANCER, FAMILIAL. Identifiers: Orphanet 227535, MedGen C0346153, MONDO:0016419, OMIM 114480. Disease mechanism: loss of function.

Submission:

Myriad Genetics, Inc.
Classification: Benign for Familial cancer of breast. Last evaluated: 2025-01-22. Review status: criteria provided, single submitter. Criteria: Myriad Autosomal Dominant, Autosomal Recessive and X-Linked Classification Criteria (2023). Collection method: clinical testing. Allele origin: unknown.
Comment: This variant is considered benign. This variant is a silent/synonymous amino acid change and it is not expected to impact splicing.